The following is an entry in ClinVar:

ClinVar aggregate classification (germline): Uncertain significance (1 of 4 stars; one submission).

Allele frequency attached by ClinVar (database versions not stated): gnomAD exomes below 0.00001; gnomAD 0.00001.
gnomAD v4.1: 2 of 1,613,360 alleles (0.00012%); highest among the groups gnomAD compares: Admixed American, 0.0033%; no homozygotes.

Submission:

Labcorp Genetics (formerly Invitae), Labcorp
Classification: Uncertain significance. Last evaluated: 2022-06-05. Review status: criteria provided, single submitter. Criteria: Invitae Variant Classification Sherloc (09022015). Collection method: clinical testing. Allele origin: germline.
Comment: This sequence change replaces leucine, which is neutral and non-polar, with valine, which is neutral and non-polar, at codon 1112 of the RUSC2 protein (p.Leu1112Val). This variant is present in population databases (no rsID available, gnomAD 0.003%). This variant has not been reported in the literature in individuals affected with RUSC2-related conditions. ClinVar contains an entry for this variant (Variation ID: 1474152). Algorithms developed to predict the effect of missense changes on protein structure and function (SIFT, PolyPhen-2, Align-GVGD) all suggest that this variant is likely to be disruptive. In summary, the available evidence is currently insufficient to determine the role of this variant in disease. Therefore, it has been classified as a Variant of Uncertain Significance.

NM_014806.5(RUSC2):c.3334C>G (p.Leu1112Val)

Gene: RUSC2 (RUN and SH3 domain containing 2; plus strand). Cytogenetic location: 9p13.3.
Variant type: single nucleotide variant.
Coding change: c.3334C>G on transcript NM_014806.5 (MANE Select); coding-DNA position 3334, C replaced by G.
Protein change: p.Leu1112Val; replaces leucine 1112 with valine.
Molecular consequence: missense variant. On other transcripts: non-coding transcript variant (1).
Genome position (GRCh38, 1-based): chr9:35,558,560, C>G. VCF-style: chr9-35558560-C-G. GRCh37 (hg19) VCF-style: chr9-35558557-C-G.
Other names: c.3334C>G, p.Leu1112Val (NM_001135999.2); c.700C>G, p.Leu234Val (NM_001330740.2); short protein forms L234V, L1112V.
Identifiers: ClinVar variation 1474152 (VCV001474152.3), dbSNP rs1305521727, ClinGen allele CA373349912.